The following is an entry in ClinVar:

NM_001113378.2(FANCI):c.406G>T (p.Ala136Ser)

Gene: FANCI (FA complementation group I; plus strand). Cytogenetic location: 15q26.1.
Variant type: single nucleotide variant.
Coding change: c.406G>T on transcript NM_001113378.2 (MANE Select); coding-DNA position 406, G replaced by T.
Protein change: p.Ala136Ser; replaces alanine 136 with serine.
Molecular consequence: missense variant.
Genome position (GRCh38, 1-based): chr15:89,261,702, G>T. VCF-style: chr15-89261702-G-T. GRCh37 (hg19) VCF-style: chr15-89804933-G-T.
Other names: c.127G>T, p.Ala43Ser (NM_001376910.1); c.406G>T, p.Ala136Ser (NM_001376911.1, NM_018193.3); short protein forms A136S, A43S.
Identifiers: ClinVar variation 3577877 (VCV003577877.3).

ClinVar aggregate classification (germline): Uncertain significance. Review status: criteria provided, multiple submitters, no conflicts (2 of 4 stars). 2 submissions from 2 submitters: Uncertain significance (2). Last evaluated 2024-11-12.

Conditions:
Fanconi anemia (FA). Also called: Fanconi's anemia. Identifiers: Orphanet 84, MedGen C0015625, MeSH D005199, MONDO:0019391.
Fanconi anemia complementation group I (FANCI). Also called: FANCI-Related Fanconi Anemia. Identifiers: Orphanet 84, MedGen C1836861, MONDO:0012186, OMIM 609053.

gnomAD v4.1: 4 of 1,614,108 alleles (0.00025%); highest among the groups gnomAD compares: Non-Finnish European, 0.00025%; no homozygotes.

Submissions (2):

Labcorp Genetics (formerly Invitae), Labcorp
Classification: Uncertain significance for Fanconi anemia. Last evaluated: 2024-11-12. Review status: criteria provided, single submitter. Criteria: Invitae Variant Classification Sherloc (09022015). Collection method: clinical testing. Allele origin: germline.
Comment: This sequence change replaces alanine, which is neutral and non-polar, with serine, which is neutral and polar, at codon 136 of the FANCI protein (p.Ala136Ser). This variant is not present in population databases (gnomAD no frequency). This variant has not been reported in the literature in individuals affected with FANCI-related conditions. Invitae Evidence Modeling of protein sequence and biophysical properties (such as structural, functional, and spatial information, amino acid conservation, physicochemical variation, residue mobility, and thermodynamic stability) has been performed for this missense variant. However, the output from this modeling did not meet the statistical confidence thresholds required to predict the impact of this variant on FANCI protein function. In summary, the available evidence is currently insufficient to determine the role of this variant in disease. Therefore, it has been classified as a Variant of Uncertain Significance.

Fulgent Genetics
Classification: Uncertain significance for Fanconi anemia complementation group I. Last evaluated: 2024-04-15. Review status: criteria provided, single submitter. Criteria: ACMG Guidelines, 2015. Collection method: clinical testing. Allele origin: germline.